The following is an entry in ClinVar:

ClinVar aggregate classification (germline): Likely pathogenic (1 of 4 stars; one submission).

Conditions:
Leber congenital amaurosis 5 (LCA5). Also called: Amaurosis congenita of Leber, type 5. Identifiers: Orphanet 65, MedGen C1858301, MONDO:0011473, OMIM 604537.

Submission:

Natera, Inc.
Classification: Likely pathogenic for Leber congenital amaurosis type 5. Last evaluated: 2025-07-18. Review status: criteria provided, single submitter. Criteria: Natera Variant Classification Schema (03/2026). Collection method: clinical testing. Allele origin: germline.
Comment: The c.953del variant in LCA5 is a frameshift variant predicted to shift the reading frame beginning at codon 318 and leads to a stop codon 29 codons downstream. This variant is expected to result in nonsense mediated decay, truncation, or a dysfunctional protein product. This variant is rare in the general population with a frequency below the threshold expected for the associated phenotype(s). Given the available evidence, this variant is classified as Likely Pathogenic.

NM_001122769.3(LCA5):c.953del (p.Asn318fs)

Gene: LCA5 (lebercilin LCA5; minus strand). Cytogenetic location: 6q14.1.
Variant type: Deletion.
Coding change: c.953del on transcript NM_001122769.3 (MANE Select); coding-DNA position 953, one base deleted (A; older notation c.953delA).
Protein change: p.Asn318fs; shifts the reading frame from asparagine 318.
Molecular consequence: frameshift variant.
Genome position (GRCh38, 1-based): chr6:79,492,553, T deleted on the plus strand (A on the coding strand, the reverse complement: LCA5 is on the minus strand); the first of 6 consecutive T bases (chr6:79,492,553-79,492,558); deleting any one gives the same sequence. VCF-style (leftmost placement, unchanged base first): chr6-79492552-AT-A. GRCh37 (hg19) VCF-style: chr6-80202269-AT-A.
Other names: c.953del, p.Asn318fs (NM_181714.4); short protein forms N318fs.
Identifiers: ClinVar variation 4816993 (VCV004816993.1).
Genomic context (GRCh38, chr6:79,492,552, plus strand): 5'-TGTACTATCACTAAATAATAGCAATAATATCAGTTTTTGAACAATCATATTTACCATACC[AT>A]TTTTTCTTAATGCAAGTTCTTTCTCTTTATTTGGAGAGGACTTTGGCAGACGATTAGAAT-3'